The following is an entry in ClinVar:

ClinVar aggregate classification (germline): Uncertain significance. Review status: criteria provided, multiple submitters, no conflicts (2 of 4 stars). 2 submissions from 2 submitters: Uncertain significance (2). Last evaluated 2026-03-25.

Conditions:
Inborn genetic diseases. Identifiers: MedGen C0950123, MeSH D030342.

Allele frequency attached by ClinVar (database versions not stated): gnomAD exomes 0.00003; gnomAD 0.00017; TOPMed 0.00033; 1000 Genomes Project 30x 0.00047; 1000 Genomes Project 0.00060; ExAC 0.00002.
gnomAD v4.1: 49 of 1,614,140 alleles (0.003%); highest among the groups gnomAD compares: Admixed American, 0.07%; 2 homozygotes.

Submissions (2):

Ambry Genetics
Classification: Uncertain significance for Inborn genetic diseases. Last evaluated: 2026-03-25. Review status: criteria provided, single submitter. Criteria: Ambry Variant Classification Scheme 2023. Collection method: clinical testing. Allele origin: germline.

Labcorp Genetics (formerly Invitae), Labcorp
Classification: Uncertain significance. Last evaluated: 2025-12-29. Review status: criteria provided, single submitter. Criteria: Invitae Variant Classification Sherloc (09022015). Collection method: clinical testing. Allele origin: germline.
Comment: This sequence change replaces serine, which is neutral and polar, with phenylalanine, which is neutral and non-polar, at codon 420 of the LHCGR protein (p.Ser420Phe). This variant is present in population databases (rs181132146, gnomAD 0.01%). This variant has not been reported in the literature in individuals affected with LHCGR-related conditions. ClinVar contains an entry for this variant (Variation ID: 3118606). Invitae Evidence Modeling of protein sequence and biophysical properties (such as structural, functional, and spatial information, amino acid conservation, physicochemical variation, residue mobility, and thermodynamic stability) indicates that this missense variant is not expected to disrupt LHCGR protein function with a negative predictive value of 80%. In summary, the available evidence is currently insufficient to determine the role of this variant in disease. Therefore, it has been classified as a Variant of Uncertain Significance.

NM_000233.4(LHCGR):c.1259C>T (p.Ser420Phe)

Genes: LHCGR (luteinizing hormone/choriogonadotropin receptor; minus strand), STON1-GTF2A1L (STON1-GTF2A1L readthrough; plus strand). Cytogenetic location: 2p16.3.
Variant type: single nucleotide variant.
Coding change: c.1259C>T on transcript NM_000233.4 (MANE Select); coding-DNA position 1259, C replaced by T.
Protein change: p.Ser420Phe; replaces serine 420 with phenylalanine.
Molecular consequence: missense variant. On other transcripts: intron variant (1).
Genome position (GRCh38, 1-based): chr2:48,688,538, G>A on the plus strand (C>T on the coding strand, the complement: LHCGR is on the minus strand). VCF-style: chr2-48688538-G-A. GRCh37 (hg19) VCF-style: chr2-48915677-G-A.
Other names: c.3441+16858G>A (NM_001198593.2); short protein forms S420F.
Identifiers: ClinVar variation 3118606 (VCV003118606.3), dbSNP rs181132146, ClinGen allele CA1653057.